The following is an entry in ClinVar:

NM_003072.5(SMARCA4):c.3918C>T (p.Ile1306=)

Gene: SMARCA4 (SWI/SNF related BAF chromatin remodeling complex subunit ATPase 4; plus strand). Cytogenetic location: 19p13.2.
Variant type: single nucleotide variant.
Coding change: c.3918C>T on transcript NM_003072.5 (MANE Select); coding-DNA position 3918, C replaced by T.
Protein change: p.Ile1306=; no amino-acid change (isoleucine 1306 retained).
Molecular consequence: synonymous variant. On other transcripts: non-coding transcript variant (1).
Genome position (GRCh38, 1-based): chr19:11,034,167, C>T. VCF-style: chr19-11034167-C-T. GRCh37 (hg19) VCF-style: chr19-11144843-C-T.
Other names: c.3918C>T, p.Ile1306= (NM_001128844.3, NM_001128849.3, NM_001387283.1); c.3819C>T, p.Ile1273= (NM_001128845.2, NM_001128846.2, NM_001128847.4 and 2 more transcripts).
Identifiers: ClinVar variation 238440 (VCV000238440.35), dbSNP rs773151387, ClinGen allele CA9204564.

ClinVar aggregate classification (germline): Benign/Likely benign. Review status: criteria provided, multiple submitters, no conflicts (2 of 4 stars). 8 submissions from 8 submitters: Benign (2); Likely benign (5). 1 of the submissions does not count toward it. Last evaluated 2026-07-15.

Conditions:
SMARCA4-related disorder. Also called: SMARCA4-related condition.
Hereditary cancer-predisposing syndrome. Also called: Hereditary Cancer Syndrome; Tumor predisposition; Hereditary neoplastic syndrome; Neoplastic Syndromes, Hereditary. Identifiers: Orphanet 140162, MedGen C0027672, MeSH D009386, MONDO:0015356.
Rhabdoid tumor predisposition syndrome 2 (RTPS2). Identifiers: Orphanet 231108, Orphanet 69077, MedGen C2750074, MONDO:0013224, OMIM 613325.

Allele frequency attached by ClinVar (database versions not stated): gnomAD exomes 0.00002; gnomAD 0.00003; TOPMed 0.00005; ExAC 0.00002.
gnomAD v4.1: 19 of 1,613,710 alleles (0.0012%); highest among the groups gnomAD compares: African/African-American, 0.0053%; no homozygotes.

Submissions (8):

Myriad Genetics, Inc.
Classification: Benign for Rhabdoid tumor predisposition syndrome 2. Last evaluated: 2026-07-15. Review status: criteria provided, single submitter. Criteria: Myriad Autosomal Dominant, Autosomal Recessive and X-Linked Classification Criteria (2023). Collection method: clinical testing. Allele origin: unknown.
Comment: This variant is considered benign. This variant is a silent/synonymous amino acid change and it is not expected to impact splicing.

Labcorp Genetics (formerly Invitae), Labcorp
Classification: Likely benign for Rhabdoid tumor predisposition syndrome 2. Last evaluated: 2026-02-03. Review status: criteria provided, single submitter. Criteria: Invitae Variant Classification Sherloc (09022015). Collection method: clinical testing. Allele origin: germline.

Quest Diagnostics Nichols Institute San Juan Capistrano
Classification: Likely benign. Last evaluated: 2025-09-05. Review status: criteria provided, single submitter. Criteria: Quest Diagnostics criteria. Collection method: clinical testing. Allele origin: unknown.

CeGaT Center for Human Genetics Tuebingen
Classification: Likely benign. Last evaluated: 2024-11-01. Review status: criteria provided, single submitter. Criteria: CeGaT Center For Human Genetics Tuebingen Variant Classification Criteria Version 2. Collection method: clinical testing. Allele origin: germline. Affected: yes. Observed: 1 variant allele.
Comment: SMARCA4: BP4, BP7

ARUP Laboratories, Molecular Genetics and Genomics, ARUP Laboratories
Classification: Likely benign. Last evaluated: 2024-06-12. Review status: criteria provided, single submitter. Criteria: ARUP Molecular Germline Variant Investigation Process 2024. Collection method: clinical testing. Allele origin: germline.

Sema4
Classification: Benign for Hereditary cancer-predisposing syndrome. Last evaluated: 2020-10-23. Review status: criteria provided, single submitter. Criteria: Sema4 Curation Guidelines. Collection method: curation. Allele origin: germline.

Ambry Genetics
Classification: Likely benign for Hereditary cancer-predisposing syndrome. Last evaluated: 2015-07-13. Review status: criteria provided, single submitter. Criteria: Ambry Variant Classification Scheme 2023. Collection method: clinical testing. Allele origin: germline.

PreventionGenetics, part of Exact Sciences
Classification: Likely benign for SMARCA4-related condition. Last evaluated: 2019-03-12. Review status: no assertion criteria provided. Collection method: clinical testing. Allele origin: germline. Not counted in ClinVar's aggregate classification.
Comment: This variant is classified as likely benign based on ACMG/AMP sequence variant interpretation guidelines (Richards et al. 2015 PMID: 25741868, with internal and published modifications).